The following is an entry in ClinVar:

NM_000051.4(ATM):c.1450T>C (p.Trp484Arg)

Gene: ATM (ATM serine/threonine kinase; plus strand). Cytogenetic location: 11q22.3.
Variant type: single nucleotide variant.
Coding change: c.1450T>C on transcript NM_000051.4 (MANE Select); coding-DNA position 1450, T replaced by C.
Protein change: p.Trp484Arg; replaces tryptophan 484 with arginine.
Molecular consequence: missense variant.
Genome position (GRCh38, 1-based): chr11:108,250,915, T>C. VCF-style: chr11-108250915-T-C. GRCh37 (hg19) VCF-style: chr11-108121642-T-C.
Other names: c.1450T>C, p.Trp484Arg (NM_001351834.2); short protein forms W484R.
Identifiers: ClinVar variation 847911 (VCV000847911.12), dbSNP rs2080108178, ClinGen allele CA382534109.

ClinVar aggregate classification (germline): Uncertain significance. Review status: criteria provided, multiple submitters, no conflicts (2 of 4 stars). 3 submissions from 3 submitters: Uncertain significance (3). Last evaluated 2025-12-05.

Conditions:
Hereditary cancer-predisposing syndrome. Also called: Neoplastic Syndromes, Hereditary; Hereditary Cancer Syndrome; Hereditary neoplastic syndrome; Tumor predisposition. Identifiers: Orphanet 140162, MedGen C0027672, MeSH D009386, MONDO:0015356.
Ataxia-telangiectasia syndrome (AT). Also called: Ataxia-telangiectasia, complementation group E; Cerebello-oculocutaneous telangiectasia; Immunodeficiency with ataxia telangiectasia; Ataxia-telangiectasia, complementation group D; AT, COMPLEMENTATION GROUP C; Ataxia-telangiectasia. Identifiers: Orphanet 100, MedGen C0004135, MONDO:0008840, OMIM 208900.

Allele frequency attached by ClinVar (database versions not stated): gnomAD exomes below 0.00001.
gnomAD v4.1: 1 of 1,614,202 alleles (0.000062%); highest among the groups gnomAD compares: Non-Finnish European, 0.000085%; no homozygotes.

Submissions (3):

Ambry Genetics
Classification: Uncertain significance for Hereditary cancer-predisposing syndrome. Last evaluated: 2025-12-05. Review status: criteria provided, single submitter. Criteria: Ambry Variant Classification Scheme 2023. Collection method: clinical testing. Allele origin: germline.
Comment: The p.W484R variant (also known as c.1450T>C), located in coding exon 9 of the ATM gene, results from a T to C substitution at nucleotide position 1450. The tryptophan at codon 484 is replaced by arginine, an amino acid with dissimilar properties. This amino acid position is conserved. In addition, this alteration is predicted to be deleterious by in silico analysis. Based on the available evidence, the clinical significance of this variant remains unclear.

Color Diagnostics, LLC DBA Color Health
Classification: Uncertain significance for Hereditary cancer-predisposing syndrome. Last evaluated: 2024-03-06. Review status: criteria provided, single submitter. Criteria: ACMG Guidelines, 2015. Collection method: clinical testing. Allele origin: germline.
Comment: This missense variant replaces tryptophan with arginine at codon 484 of the ATM protein. Computational prediction suggests that this variant may have deleterious impact on protein structure and function (internally defined REVEL score threshold >= 0.7, PMID: 27666373). To our knowledge, functional studies have not been reported for this variant. This variant has not been reported in individuals affected with hereditary cancer in the literature. This variant has not been identified in the general population by the Genome Aggregation Database (gnomAD). The available evidence is insufficient to determine the role of this variant in disease conclusively. Therefore, this variant is classified as a Variant of Uncertain Significance.

Labcorp Genetics (formerly Invitae), Labcorp
Classification: Uncertain significance for Ataxia-telangiectasia syndrome. Last evaluated: 2019-12-03. Review status: criteria provided, single submitter. Criteria: Invitae Variant Classification Sherloc (09022015). Collection method: clinical testing. Allele origin: germline.
Comment: Algorithms developed to predict the effect of missense changes on protein structure and function (SIFT, PolyPhen-2, Align-GVGD) all suggest that this variant is likely to be disruptive, but these predictions have not been confirmed by published functional studies and their clinical significance is uncertain. In summary, the available evidence is currently insufficient to determine the role of this variant in disease. Therefore, it has been classified as a Variant of Uncertain Significance. This variant has not been reported in the literature in individuals with ATM-related conditions. This variant is not present in population databases (ExAC no frequency). This sequence change replaces tryptophan with arginine at codon 484 of the ATM protein (p.Trp484Arg). The tryptophan residue is highly conserved and there is a moderate physicochemical difference between tryptophan and arginine.